The following is an entry in ClinVar:

ClinVar aggregate classification (germline): Uncertain significance (1 of 4 stars; one submission).

Conditions:
Cardiovascular phenotype. Identifiers: MedGen CN230736.

gnomAD v4.1: 1 of 1,567,278 alleles (0.000064%); highest among the groups gnomAD compares: Non-Finnish European, 0.000086%; no homozygotes.

Submission:

Ambry Genetics
Classification: Uncertain significance for Cardiovascular phenotype. Last evaluated: 2026-02-24. Review status: criteria provided, single submitter. Criteria: Ambry Variant Classification Scheme 2023. Collection method: clinical testing. Allele origin: germline.
Comment: The p.H535Y variant (also known as c.1603C>T), located in coding exon 2 of the TNXB gene, results from a C to T substitution at nucleotide position 1603. The histidine at codon 535 is replaced by tyrosine, an amino acid with similar properties. This amino acid position is conserved. In addition, this alteration is predicted to be tolerated by in silico analysis. Based on the available evidence, the clinical significance of this variant remains unclear.

NM_001365276.2(TNXB):c.1603C>T (p.His535Tyr)

Gene: TNXB (tenascin XB; minus strand). Cytogenetic location: 6p21.33.
Variant type: single nucleotide variant.
Coding change: c.1603C>T on transcript NM_001365276.2 (MANE Select); coding-DNA position 1603, C replaced by T.
Protein change: p.His535Tyr; replaces histidine 535 with tyrosine.
Molecular consequence: missense variant.
Genome position (GRCh38, 1-based): chr6:32,096,250, G>A on the plus strand (C>T on the coding strand, the complement: TNXB is on the minus strand). VCF-style: chr6-32096250-G-A. GRCh37 (hg19) VCF-style: chr6-32064027-G-A.
Other names: c.1603C>T, p.His535Tyr (NM_001428335.1, NM_019105.8); short protein forms H535Y.
Identifiers: ClinVar variation 4826802 (VCV004826802.1).
Genomic context (GRCh38, chr6:32,096,250, plus strand): 5'-TGCAGTCTTCCCCTGAGTAGCCTGCGTCACACACGCACACGCCATCCTCGCAAAGGCCGT[G>A]CCCACGGCAGTCCCCGGGACAGCGACGGCTCCCACAGTCCTCACCGGTGAAGCCCGGGTT-3'
Protein context (NP_001352205.1, residues 525-545): SRRCPGDCRG[His535Tyr]GLCEDGVCVC